The following is an entry in ClinVar:

ClinVar aggregate classification (germline): Uncertain significance. Review status: criteria provided, multiple submitters, no conflicts (2 of 4 stars). 2 submissions from 2 submitters: Uncertain significance (2). Last evaluated 2023-12-09.

Conditions:
Wolman disease (WOLD). Also called: Acid cholesteryl ester hydrolase deficiency, Wolman type; Acid lipase disease; Wolman disease, CESD; Wolman disease with hypolipoproteinemia and acanthocytosis; LYSOSOMAL ACID LIPASE DEFICIENCY, ACUTE INFANTILE; LYSOSOMAL ACID LIPASE DEFICIENCY, COMPLETE. Identifiers: Orphanet 75233, MedGen C0043208, MONDO:0019148, OMIM 620151.
Cardiovascular phenotype. Identifiers: MedGen CN230736.

Allele frequency attached by ClinVar (database versions not stated): TOPMed 0.00001.
gnomAD v4.1: 2 of 1,613,980 alleles (0.00012%); highest among the groups gnomAD compares: Non-Finnish European, 0.00017%; no homozygotes.

Submissions (2):

Labcorp Genetics (formerly Invitae), Labcorp
Classification: Uncertain significance for Wolman disease. Last evaluated: 2023-12-09. Review status: criteria provided, single submitter. Criteria: Invitae Variant Classification Sherloc (09022015). Collection method: clinical testing. Allele origin: germline.
Comment: This sequence change replaces methionine, which is neutral and non-polar, with isoleucine, which is neutral and non-polar, at codon 333 of the LIPA protein (p.Met333Ile). This variant is present in population databases (no rsID available, gnomAD 0.007%). This variant has not been reported in the literature in individuals affected with LIPA-related conditions. Advanced modeling of protein sequence and biophysical properties (such as structural, functional, and spatial information, amino acid conservation, physicochemical variation, residue mobility, and thermodynamic stability) performed at Invitae indicates that this missense variant is not expected to disrupt LIPA protein function with a negative predictive value of 80%. In summary, the available evidence is currently insufficient to determine the role of this variant in disease. Therefore, it has been classified as a Variant of Uncertain Significance.

Ambry Genetics
Classification: Uncertain significance for Cardiovascular phenotype. Last evaluated: 2023-07-03. Review status: criteria provided, single submitter. Criteria: Ambry Variant Classification Scheme 2023. Collection method: clinical testing. Allele origin: germline.
Comment: The p.M333I variant (also known as c.999G>A), located in coding exon 9 of the LIPA gene, results from a G to A substitution at nucleotide position 999. The methionine at codon 333 is replaced by isoleucine, an amino acid with highly similar properties. This amino acid position is conserved. In addition, the in silico prediction for this alteration is inconclusive. Since supporting evidence is limited at this time, the clinical significance of this alteration remains unclear.

NM_000235.4(LIPA):c.999G>A (p.Met333Ile)

Gene: LIPA (lipase A, lysosomal acid type; minus strand). Cytogenetic location: 10q23.31.
Variant type: single nucleotide variant.
Coding change: c.999G>A on transcript NM_000235.4 (MANE Select); coding-DNA position 999, G replaced by A.
Protein change: p.Met333Ile; replaces methionine 333 with isoleucine.
Molecular consequence: missense variant.
Genome position (GRCh38, 1-based): chr10:89,215,029, C>T on the plus strand (G>A on the coding strand, the complement: LIPA is on the minus strand). VCF-style: chr10-89215029-C-T. GRCh37 (hg19) VCF-style: chr10-90974786-C-T.
Other names: c.999G>A, p.Met333Ile (NM_001127605.3); c.651G>A, p.Met217Ile (NM_001288979.2); short protein forms M333I, M217I.
Identifiers: ClinVar variation 2586382 (VCV002586382.5), dbSNP rs1237784091, ClinGen allele CA377516362.